The following is an entry in ClinVar:

NM_053025.4(MYLK):c.4453A>G (p.Lys1485Glu)

Gene: MYLK (myosin light chain kinase; minus strand). Cytogenetic location: 3q21.1.
Variant type: single nucleotide variant.
Coding change: c.4453A>G on transcript NM_053025.4 (MANE Select); coding-DNA position 4453, A replaced by G.
Protein change: p.Lys1485Glu; replaces lysine 1485 with glutamic acid.
Molecular consequence: missense variant.
Genome position (GRCh38, 1-based): chr3:123,647,390, T>C on the plus strand (A>G on the coding strand, the complement: MYLK is on the minus strand). VCF-style: chr3-123647390-T-C. GRCh37 (hg19) VCF-style: chr3-123366237-T-C.
Other names: c.3925A>G, p.Lys1309Glu (NM_001321309.2); c.4246A>G, p.Lys1416Glu (NM_053026.4, NM_053028.4); c.4453A>G, p.Lys1485Glu (NM_053027.4); c.4453A>G (NM_053025.3); short protein forms K1309E, K1485E, K1416E.
Identifiers: ClinVar variation 2029504 (VCV002029504.5), dbSNP rs968890615, ClinGen allele CA82918428.

ClinVar aggregate classification (germline): Uncertain significance. Review status: criteria provided, multiple submitters, no conflicts (2 of 4 stars). 3 submissions from 3 submitters: Uncertain significance (3). Last evaluated 2025-10-03.

Conditions:
Aortic aneurysm, familial thoracic 7 (AAT7). Also called: AORTIC DISSECTION, FAMILIAL, WITH OR WITHOUT AORTIC ANEURYSM. Identifiers: MedGen C3151077, MONDO:0013418, OMIM 613780.
Familial thoracic aortic aneurysm and aortic dissection (TAAD). Also called: Thoracic aortic aneurysms and dissections. Identifiers: Orphanet 91387, MedGen C4707243, MONDO:0019625.

Allele frequency attached by ClinVar (database versions not stated): gnomAD exomes below 0.00001; gnomAD 0.00002; TOPMed 0.00003.
gnomAD v4.1: 8 of 1,614,128 alleles (0.0005%); highest among the groups gnomAD compares: Admixed American, 0.0083%; no homozygotes.

Submissions (3):

Ambry Genetics
Classification: Uncertain significance for Familial thoracic aortic aneurysm and aortic dissection. Last evaluated: 2025-10-03. Review status: criteria provided, single submitter. Criteria: Ambry Variant Classification Scheme 2023. Collection method: clinical testing. Allele origin: germline.

GeneDx
Classification: Uncertain significance. Last evaluated: 2023-12-28. Review status: criteria provided, single submitter. Criteria: GeneDx Variant Classification Process June 2021. Collection method: clinical testing. Allele origin: germline. Affected: yes.
Comment: Has not been previously published as pathogenic or benign to our knowledge; Not observed at significant frequency in large population cohorts (gnomAD); In silico analysis supports that this missense variant does not alter protein structure/function

Labcorp Genetics (formerly Invitae), Labcorp
Classification: Uncertain significance for Aortic aneurysm, familial thoracic 7. Last evaluated: 2023-10-19. Review status: criteria provided, single submitter. Criteria: Invitae Variant Classification Sherloc (09022015). Collection method: clinical testing. Allele origin: germline.
Comment: This sequence change replaces lysine, which is basic and polar, with glutamic acid, which is acidic and polar, at codon 1485 of the MYLK protein (p.Lys1485Glu). This variant is present in population databases (no rsID available, gnomAD no frequency). This variant has not been reported in the literature in individuals affected with MYLK-related conditions. ClinVar contains an entry for this variant (Variation ID: 2029504). Advanced modeling of protein sequence and biophysical properties (such as structural, functional, and spatial information, amino acid conservation, physicochemical variation, residue mobility, and thermodynamic stability) performed at Invitae indicates that this missense variant is not expected to disrupt MYLK protein function. In summary, the available evidence is currently insufficient to determine the role of this variant in disease. Therefore, it has been classified as a Variant of Uncertain Significance.